The following is an entry in ClinVar:

NM_001122769.3(LCA5):c.1098+1G>A

Gene: LCA5 (lebercilin LCA5; minus strand). Cytogenetic location: 6q14.1.
Variant type: single nucleotide variant.
Coding change: c.1098+1G>A on transcript NM_001122769.3 (MANE Select); the canonical splice donor site of the intron after coding-DNA position 1098, G replaced by A.
Molecular consequence: splice donor variant.
Genome position (GRCh38, 1-based): chr6:79,491,587, C>T on the plus strand (G>A on the coding strand, the complement: LCA5 is on the minus strand). VCF-style: chr6-79491587-C-T. GRCh37 (hg19) VCF-style: chr6-80201304-C-T.
Other names: c.1098+1G>A (NM_181714.4).
Identifiers: ClinVar variation 1506400 (VCV001506400.6), dbSNP rs1769843934, ClinGen allele CA364643602.

ClinVar aggregate classification (germline): Likely pathogenic (1 of 4 stars; one submission).

Allele frequency attached by ClinVar (database versions not stated): TOPMed below 0.00001.
gnomAD v4.1: 1 of 1,612,576 alleles (0.000062%); highest among the groups gnomAD compares: Non-Finnish European, 0.000085%; no homozygotes.

Submission:

Labcorp Genetics (formerly Invitae), Labcorp
Classification: Likely pathogenic. Last evaluated: 2021-10-15. Review status: criteria provided, single submitter. Criteria: Invitae Variant Classification Sherloc (09022015). Collection method: clinical testing. Allele origin: germline.
Comment: Algorithms developed to predict the effect of sequence changes on RNA splicing suggest that this variant may disrupt the consensus splice site. In summary, the currently available evidence indicates that the variant is pathogenic, but additional data are needed to prove that conclusively. Therefore, this variant has been classified as Likely Pathogenic. This variant is not present in population databases (ExAC no frequency). This variant has not been reported in the literature in individuals affected with LCA5-related conditions. This sequence change affects a donor splice site in intron 7 of the LCA5 gene. It is expected to disrupt RNA splicing. Variants that disrupt the donor or acceptor splice site typically lead to a loss of protein function (PMID: 16199547), and loss-of-function variants in LCA5 are known to be pathogenic (PMID: 17546029, 23946133).

Literature cited by the submitters: PubMed 16199547; PubMed 17546029; PubMed 23946133.